The following is an entry in ClinVar:

ClinVar aggregate classification (germline): Benign (0 of 4 stars; one submission).

Conditions:
Orofacial cleft 10 (OFC10). Also called: CLEFT LIP WITH OR WITHOUT CLEFT PALATE, NONSYNDROMIC, 10. Identifiers: MedGen C1866070, MONDO:0013378, OMIM 613705.

Submission:

Pharmacology and Genetics Laboratory, Bauru School of Dentistry, University of Sao Paulo
Classification: Benign for Orofacial cleft 10. Review status: no assertion criteria provided. Collection method: case-control. Allele origin: unknown. Affected: yes. Observed: 1 variant allele.
Comment: In silico analysis revealed polyphen prediction benign with polyphen score 0.114. Provean protein Batch - SIFT was predicted as tolerated with score 0.82. Mutation tester predicted disease causing.

Literature cited by the submitters: PubMed 27834299; PubMed 26346622; PubMed 28762674.

NM_006147.4(IRF6):c.457T>G (p.Ser153Ala)

Gene: IRF6 (interferon regulatory factor 6; minus strand). Cytogenetic location: 1q32.2.
Variant type: single nucleotide variant.
Coding change: c.457T>G on transcript NM_006147.4 (MANE Select); coding-DNA position 457, T replaced by G.
Protein change: p.Ser153Ala; replaces serine 153 with alanine.
Molecular consequence: missense variant.
Genome position (GRCh38, 1-based): chr1:209,795,341, A>C on the plus strand (T>G on the coding strand, the complement: IRF6 is on the minus strand). VCF-style: chr1-209795341-A-C. GRCh37 (hg19) VCF-style: chr1-209968686-A-C.
Other names: c.172T>G, p.Ser58Ala (NM_001206696.2); short protein forms S153A, S58A.
Identifiers: ClinVar variation 559490 (VCV000559490.2), dbSNP rs1553248180, ClinGen allele CA344582525.